The following is an entry in ClinVar:

ClinVar aggregate classification (germline): Likely pathogenic (1 of 4 stars; one submission).

Submission:

Labcorp Genetics (formerly Invitae), Labcorp
Classification: Likely pathogenic. Last evaluated: 2024-02-25. Review status: criteria provided, single submitter. Criteria: Invitae Variant Classification Sherloc (09022015). Collection method: clinical testing. Allele origin: germline.
Comment: This sequence change affects the initiator methionine of the SLC45A2 mRNA. The next in-frame methionine is located at codon 37. This variant is not present in population databases (gnomAD no frequency). Disruption of the initiator codon has been observed in individual(s) with oculocutaneous albinism (Invitae). In at least one individual the data is consistent with being in trans (on the opposite chromosome) from a pathogenic variant. In summary, the currently available evidence indicates that the variant is pathogenic, but additional data are needed to prove that conclusively. Therefore, this variant has been classified as Likely Pathogenic.

NM_016180.5(SLC45A2):c.2T>A (p.Met1Lys)

Gene: SLC45A2 (solute carrier family 45 member 2; minus strand). Cytogenetic location: 5p13.2.
Variant type: single nucleotide variant.
Coding change: c.2T>A on transcript NM_016180.5 (MANE Select); coding-DNA position 2, T replaced by A.
Protein change: p.Met1Lys; changes the start codon (methionine 1).
Molecular consequence: missense variant, initiator codon variant.
Genome position (GRCh38, 1-based): chr5:33,984,582, A>T on the plus strand (T>A on the coding strand, the complement: SLC45A2 is on the minus strand). VCF-style: chr5-33984582-A-T. GRCh37 (hg19) VCF-style: chr5-33984687-A-T.
Other names: c.2T>A, p.Met1Lys (NM_001012509.4, NM_001297417.4); short protein forms M1K.
Identifiers: ClinVar variation 3643205 (VCV003643205.2).